The following is an entry in ClinVar:

NM_001739.2(CA5A):c.340+8191G>A

Gene: CA5A (carbonic anhydrase 5A; minus strand). Cytogenetic location: 16q24.2.
Variant type: single nucleotide variant.
Coding change: c.340+8191G>A on transcript NM_001739.2 (MANE Select); 8191 bases into the intron after coding-DNA position 340, G replaced by A.
Molecular consequence: intron variant.
Genome position (GRCh38, 1-based): chr16:87,918,557, C>T on the plus strand (G>A on the coding strand, the complement: CA5A is on the minus strand). VCF-style: chr16-87918557-C-T. GRCh37 (hg19) VCF-style: chr16-87952163-C-T.
Other names: c.340+8191G>A (NM_001367225.1).
Identifiers: ClinVar variation 4538387 (VCV004538387.1).
Genomic context (GRCh38, chr16:87,918,557, plus strand): 5'-CTTGCTCCAAGTGCTGGCACCCCCAGCTCCTAGGAAAACTGCTGGCAGTGTCCACGCCGA[C>T]GGAAATTTCCTTGGCCTGTCCGTTTGTTTCGCTTTGTTTCTGGCCCTGCCACGGCATGGC-3'

ClinVar aggregate classification (germline): Uncertain significance (1 of 4 stars; one submission).

gnomAD v4.1: 33 of 152,320 alleles (0.022%); highest among the groups gnomAD compares: African/African-American, 0.077%; no homozygotes.

Submission:

Greenwood Genetic Center Diagnostic Laboratories, Greenwood Genetic Center
Classification: Uncertain significance. Last evaluated: 2025-04-23. Review status: criteria provided, single submitter. Criteria: ACMG Guidelines, 2015. Collection method: clinical testing. Allele origin: germline. Affected: yes.
Comment: PM2, BP4